The following is an entry in ClinVar:

NM_001003841.3(SLC6A19):c.739G>A (p.Ala247Thr)

Gene: SLC6A19 (solute carrier family 6 member 19; plus strand). Cytogenetic location: 5p15.33.
Variant type: single nucleotide variant.
Coding change: c.739G>A on transcript NM_001003841.3 (MANE Select); coding-DNA position 739, G replaced by A.
Protein change: p.Ala247Thr; replaces alanine 247 with threonine.
Molecular consequence: missense variant.
Genome position (GRCh38, 1-based): chr5:1,213,538, G>A. VCF-style: chr5-1213538-G-A. GRCh37 (hg19) VCF-style: chr5-1213653-G-A.
Other names: c.739G>A (NM_001003841.2); short protein forms A247T.
Identifiers: ClinVar variation 1469821 (VCV001469821.9), dbSNP rs201050149, ClinGen allele CA3182851.
Genomic context (GRCh38, chr5:1,213,538, plus strand): 5'-TCCACGCTGCCCTATGTCGTCCTGACCATCTTCCTCATCCGAGGCCTGACGCTGAAGGGC[G>A]CCACCAATGGCATCGTCTTCCTCTTCACGCCCAACGTAAGTCCCCGAGGCTGCCCTGGGC-3'
Protein context (NP_001003841.1, residues 237-257): FLIRGLTLKG[Ala247Thr]TNGIVFLFTP

ClinVar aggregate classification (germline): Uncertain significance. Review status: criteria provided, multiple submitters, no conflicts (2 of 4 stars). 2 submissions from 2 submitters: Uncertain significance (2). Last evaluated 2022-06-17.

Conditions:
Inborn genetic diseases. Identifiers: MedGen C0950123, MeSH D030342.

Allele frequency attached by ClinVar (database versions not stated): gnomAD 0.00003 and 0.00004; TOPMed 0.00005; ESP Exome Variant Server 0.00008; 1000 Genomes Project 30x 0.00016; 1000 Genomes Project 0.00020.

Submissions (2):

Labcorp Genetics (formerly Invitae), Labcorp
Classification: Uncertain significance. Last evaluated: 2022-06-17. Review status: criteria provided, single submitter. Criteria: Invitae Variant Classification Sherloc (09022015). Collection method: clinical testing. Allele origin: germline.
Comment: In summary, the available evidence is currently insufficient to determine the role of this variant in disease. Therefore, it has been classified as a Variant of Uncertain Significance. Algorithms developed to predict the effect of missense changes on protein structure and function are either unavailable or do not agree on the potential impact of this missense change (SIFT: "Tolerated"; PolyPhen-2: "Possibly Damaging"; Align-GVGD: "Class C0"). This variant has not been reported in the literature in individuals affected with SLC6A19-related conditions. The frequency data for this variant in the population databases is considered unreliable, as metrics indicate poor data quality at this position in the gnomAD database. This sequence change replaces alanine, which is neutral and non-polar, with threonine, which is neutral and polar, at codon 247 of the SLC6A19 protein (p.Ala247Thr).

Ambry Genetics
Classification: Uncertain significance for Inborn genetic diseases. Last evaluated: 2022-05-27. Review status: criteria provided, single submitter. Criteria: Ambry Variant Classification Scheme 2023. Collection method: clinical testing. Allele origin: germline.